The following is an entry in ClinVar:

NM_000037.4(ANK1):c.811-2A>G

Gene: ANK1 (ankyrin 1; minus strand). Cytogenetic location: 8p11.21.
Variant type: single nucleotide variant.
Coding change: c.811-2A>G on transcript NM_000037.4 (MANE Select); the canonical splice acceptor site of the intron before coding-DNA position 811, A replaced by G.
Molecular consequence: splice acceptor variant.
Genome position (GRCh38, 1-based): chr8:41,723,225, T>C on the plus strand (A>G on the coding strand, the complement: ANK1 is on the minus strand). VCF-style: chr8-41723225-T-C. GRCh37 (hg19) VCF-style: chr8-41580743-T-C.
Other names: c.910-2A>G (NM_001142446.2); c.811-2A>G (NM_020477.3, NM_020475.3, NM_020476.3).
Identifiers: ClinVar variation 3766582 (VCV003766582.1).
Genomic context (GRCh38, chr8:41,723,225, plus strand): 5'-ATCTCTGAGATTCGCACGTGCCCATTTCGAGCTGCACAGTGGAGAGGTGTCAATTCGTCC[T>C]TTAAAAGACAGAGTCAAAAACAGAAAGCCCAAAAGGCAGCTATCAGAGGCCATTTGGAGA-3'

ClinVar aggregate classification (germline): Likely pathogenic (1 of 4 stars; one submission).

Conditions:
Hereditary spherocytosis type 1. Also called: Spherocytosis type 1; ANK1-Related Spherocytosis. Identifiers: Orphanet 822, MedGen C2674218, MONDO:0008447, OMIM 182900.

Submission:

ARUP Laboratories, Molecular Genetics and Genomics, ARUP Laboratories
Classification: Likely pathogenic for Hereditary spherocytosis type 1. Last evaluated: 2024-04-22. Review status: criteria provided, single submitter. Criteria: ARUP Molecular Germline Variant Investigation Process 2024. Collection method: clinical testing. Allele origin: germline.
Comment: The ANK1 c.811-2A>G variant, to our knowledge, is not reported in the medical literature or gene specific databases. This variant is also absent from the Genome Aggregation Database, indicating it is not a common polymorphism. This variant disrupts the canonical splice acceptor site of intron 7, which is likely to negatively impact gene function. Based on available information, this variant is considered to be likely pathogenic.